The following is an entry in ClinVar:

ClinVar aggregate classification (germline): Conflicting classifications of pathogenicity. Review status: criteria provided, conflicting classifications (1 of 4 stars). 5 submissions from 5 submitters: Uncertain significance (4); Likely benign (1). Last evaluated 2025-08-04.

Conditions:
Hereditary cancer-predisposing syndrome. Also called: Neoplastic Syndromes, Hereditary; Hereditary Cancer Syndrome; Tumor predisposition; Hereditary neoplastic syndrome. Identifiers: Orphanet 140162, MedGen C0027672, MeSH D009386, MONDO:0015356.
Multiple endocrine neoplasia, type 2 (MEN2). Identifiers: Orphanet 653, MedGen C4048306, MONDO:0019003. Disease mechanism: gain of function.
Pheochromocytoma. Also called: MAX-Related Hereditary Paraganglioma-Pheochromocytoma Syndrome. Identifiers: Orphanet 29072, MedGen C0031511, MONDO:0008233, OMIM 171300, HP:0002666.
Familial medullary thyroid carcinoma (MTC). Also called: Thyroid cancer, familial medullary; MTC, familial; Familial Medullary Thyroid Carcinoma (FMTC). Identifiers: Orphanet 653, Orphanet 99361, MedGen C1833921, MONDO:0007958, OMIM 155240.
Multiple endocrine neoplasia type 2B. Also called: Multiple endocrine neoplasia, type 3; MULTIPLE ENDOCRINE NEOPLASIA, TYPE IIB; MUCOSAL NEUROMA SYNDROME; MEN 2B; Multiple Endocrine Neoplasia Type 2B (MEN2B); MEN IIB. Identifiers: Orphanet 247709, Orphanet 653, MedGen C0025269, MeSH D018814, MONDO:0008082, OMIM 162300.
Multiple endocrine neoplasia type 2A. Also called: MULTIPLE ENDOCRINE NEOPLASIA, TYPE IIA; PTC SYNDROME; SIPPLE SYNDROME; MEN 2A; MEN-2A syndrome; Pheochromocytoma and amyloid producing medullary thyroid carcinoma. Identifiers: Orphanet 247698, Orphanet 653, MedGen C0025268, MeSH D018813, MONDO:0008234, OMIM 171400.
Hirschsprung disease, susceptibility to, 1 (HSCR1). Also called: RET-Related Hirschsprung Disease. Identifiers: Orphanet 388, MedGen C3888239, MONDO:0007723, OMIM 142623.

Allele frequency attached by ClinVar (database versions not stated): gnomAD exomes below 0.00001 and 0.00001; TOPMed 0.00003.
gnomAD v4.1: 9 of 1,614,110 alleles (0.00056%); highest among the groups gnomAD compares: Non-Finnish European, 0.00076%; no homozygotes.

Submissions (5):

Color Diagnostics, LLC DBA Color Health
Classification: Uncertain significance for Multiple endocrine neoplasia, type 2. Last evaluated: 2025-08-04. Review status: criteria provided, single submitter. Criteria: ACMG Guidelines, 2015. Collection method: clinical testing. Allele origin: germline.
Comment: This missense variant replaces valine with leucine at codon 193 of the RET protein. Computational prediction suggests that this variant may not impact protein structure and function. To our knowledge, functional studies have not been reported for this variant. This variant has not been reported in individuals affected with RET-related disorders in the literature. This variant has been identified in 1/251292 chromosomes in the general population by the Genome Aggregation Database (gnomAD). The available evidence is insufficient to determine the role of this variant in disease conclusively. Therefore, this variant is classified as a Variant of Uncertain Significance.

Ambry Genetics
Classification: Likely benign for Hereditary cancer-predisposing syndrome. Last evaluated: 2025-07-02. Review status: criteria provided, single submitter. Criteria: Ambry Variant Classification Scheme 2023. Collection method: clinical testing. Allele origin: germline.

Labcorp Genetics (formerly Invitae), Labcorp
Classification: Uncertain significance for Multiple endocrine neoplasia, type 2. Last evaluated: 2025-06-18. Review status: criteria provided, single submitter. Criteria: Invitae Variant Classification Sherloc (09022015). Collection method: clinical testing. Allele origin: germline.
Comment: This sequence change replaces valine, which is neutral and non-polar, with leucine, which is neutral and non-polar, at codon 193 of the RET protein (p.Val193Leu). This variant is present in population databases (no rsID available, gnomAD 0.0009%). This variant has not been reported in the literature in individuals affected with RET-related conditions. ClinVar contains an entry for this variant (Variation ID: 543721). An algorithm developed to predict the effect of missense changes on protein structure and function (PolyPhen-2) suggests that this variant is likely to be tolerated. In summary, the available evidence is currently insufficient to determine the role of this variant in disease. Therefore, it has been classified as a Variant of Uncertain Significance.

All of Us Research Program, National Institutes of Health
Classification: Uncertain significance for Multiple endocrine neoplasia, type 2. Last evaluated: 2023-11-02. Review status: criteria provided, single submitter. Criteria: ACMG Guidelines, 2015. Collection method: clinical testing. Allele origin: germline. Inheritance: Autosomal dominant inheritance. Observed: 6 variant alleles, 6 heterozygotes.
Comment: This missense variant replaces valine with leucine at codon 193 of the RET protein. Computational prediction suggests that this variant may not impact protein structure and function (internally defined REVEL score threshold <= 0.5, PMID: 27666373). To our knowledge, functional studies have not been reported for this variant. This variant has not been reported in individuals affected with RET-related disorders in the literature. This variant has been identified in 1/251292 chromosomes in the general population by the Genome Aggregation Database (gnomAD). The available evidence is insufficient to determine the role of this variant in disease conclusively. Therefore, this variant is classified as a Variant of Uncertain Significance.

This study involves interpretation of variants in research participants for the purpose of population health screening. Participant phenotype was not available at the time of variant classification. Additional details can be found in publication PMID: 35346344, PMCID: PMC8962531

Fulgent Genetics
Classification: Uncertain significance for Hirschsprung disease, susceptibility to, 1; Familial medullary thyroid carcinoma; Multiple endocrine neoplasia type 2B; Pheochromocytoma; Multiple endocrine neoplasia type 2A. Last evaluated: 2022-02-17. Review status: criteria provided, single submitter. Criteria: ACMG Guidelines, 2015. Collection method: clinical testing. Allele origin: unknown.

NM_020975.6(RET):c.577G>T (p.Val193Leu)

Gene: RET (ret proto-oncogene; plus strand). Cytogenetic location: 10q11.21.
Variant type: single nucleotide variant.
Coding change: c.577G>T on transcript NM_020975.6 (MANE Select); coding-DNA position 577, G replaced by T.
Protein change: p.Val193Leu; replaces valine 193 with leucine.
Molecular consequence: missense variant.
Genome position (GRCh38, 1-based): chr10:43,102,581, G>T. VCF-style: chr10-43102581-G-T. GRCh37 (hg19) VCF-style: chr10-43598029-G-T.
Other names: c.577G>T, p.Val193Leu (NM_000323.2, NM_001406743.1, NM_001406744.1 and 16 more transcripts); c.448G>T, p.Val150Leu (NM_001406761.1, NM_001406762.1, NM_001406764.1 and 4 more transcripts); short protein forms V193L, V150L.
Identifiers: ClinVar variation 543721 (VCV000543721.17), dbSNP rs1008123818, ClinGen allele CA206256170.